The following is an entry in ClinVar:

NM_000079.4(CHRNA1):c.962G>A (p.Arg321His)

Gene: CHRNA1 (cholinergic receptor nicotinic alpha 1 subunit; minus strand). Cytogenetic location: 2q31.1.
Variant type: single nucleotide variant.
Coding change: c.962G>A on transcript NM_000079.4 (MANE Select); coding-DNA position 962, G replaced by A.
Protein change: p.Arg321His; replaces arginine 321 with histidine.
Molecular consequence: missense variant.
Genome position (GRCh38, 1-based): chr2:174,749,986, C>T on the plus strand (G>A on the coding strand, the complement: CHRNA1 is on the minus strand). VCF-style: chr2-174749986-C-T. GRCh37 (hg19) VCF-style: chr2-175614714-C-T.
Other names: c.1037G>A, p.Arg346His (NM_001039523.3); short protein forms R346H, R321H.
Identifiers: ClinVar variation 894707 (VCV000894707.14), dbSNP rs762938254, ClinGen allele CA1974417.

ClinVar aggregate classification (germline): Uncertain significance. Review status: criteria provided, multiple submitters, no conflicts (2 of 4 stars). 4 submissions from 3 submitters: Uncertain significance (4). Last evaluated 2023-12-27.

Conditions:
Inborn genetic diseases. Identifiers: MedGen C0950123, MeSH D030342.
Congenital myasthenic syndrome (CMS). Also called: Congenital Myasthenic Syndromes. Identifiers: Orphanet 590, MedGen C0751882, MeSH D020294, MONDO:0018940.
Lethal multiple pterygium syndrome (LMPS). Identifiers: Orphanet 33108, MedGen C1854678, MONDO:0009668, OMIM 253290.

Allele frequency attached by ClinVar (database versions not stated): ExAC 0.00002; gnomAD exomes 0.00002 and 0.00007.

Submissions (4):

Ambry Genetics
Classification: Uncertain significance for Inborn genetic diseases. Last evaluated: 2023-12-27. Review status: criteria provided, single submitter. Criteria: Ambry Variant Classification Scheme 2023. Collection method: clinical testing. Allele origin: germline.

Labcorp Genetics (formerly Invitae), Labcorp
Classification: Uncertain significance for Lethal multiple pterygium syndrome. Last evaluated: 2023-08-27. Review status: criteria provided, single submitter. Criteria: Invitae Variant Classification Sherloc (09022015). Collection method: clinical testing. Allele origin: germline.
Comment: This variant is present in population databases (rs762938254, gnomAD 0.02%). In summary, the available evidence is currently insufficient to determine the role of this variant in disease. Therefore, it has been classified as a Variant of Uncertain Significance. Advanced modeling of protein sequence and biophysical properties (such as structural, functional, and spatial information, amino acid conservation, physicochemical variation, residue mobility, and thermodynamic stability) performed at Invitae indicates that this missense variant is not expected to disrupt CHRNA1 protein function. ClinVar contains an entry for this variant (Variation ID: 894707). This variant has not been reported in the literature in individuals affected with CHRNA1-related conditions. This sequence change replaces arginine, which is basic and polar, with histidine, which is basic and polar, at codon 321 of the CHRNA1 protein (p.Arg321His).

Illumina Laboratory Services, Illumina
Classification: Uncertain significance for Congenital myasthenic syndrome. Last evaluated: 2018-01-13. Review status: criteria provided, single submitter. Criteria: ICSL Variant Classification Criteria 13 December 2019. Collection method: clinical testing. Allele origin: germline.

Illumina Laboratory Services, Illumina
Classification: Uncertain significance for Lethal multiple pterygium syndrome. Last evaluated: 2018-01-13. Review status: criteria provided, single submitter. Criteria: ICSL Variant Classification Criteria 13 December 2019. Collection method: clinical testing. Allele origin: germline.